The following is an entry in ClinVar:

ClinVar aggregate classification (germline): Uncertain significance. Review status: criteria provided, multiple submitters, no conflicts (2 of 4 stars). 2 submissions from 2 submitters: Uncertain significance (2). Last evaluated 2024-05-01.

Conditions:
Nephronophthisis. Also called: Juvenile Nephronophthisis. Identifiers: Orphanet 655, MedGen C0687120, MONDO:0019005, HP:0000090.
Senior-Loken syndrome 5 (SLSN5). Identifiers: Orphanet 3156, MedGen C1836517, MONDO:0012225, OMIM 609254.

Allele frequency attached by ClinVar (database versions not stated): gnomAD exomes 0.00001; gnomAD 0.00003.

Submissions (2):

Fulgent Genetics
Classification: Uncertain significance for Senior-Loken syndrome 5. Last evaluated: 2024-05-01. Review status: criteria provided, single submitter. Criteria: ACMG Guidelines, 2015. Collection method: clinical testing. Allele origin: germline.

Labcorp Genetics (formerly Invitae), Labcorp
Classification: Uncertain significance for Nephronophthisis. Last evaluated: 2022-07-12. Review status: criteria provided, single submitter. Criteria: Invitae Variant Classification Sherloc (09022015). Collection method: clinical testing. Allele origin: germline.
Comment: This sequence change replaces glutamine, which is neutral and polar, with glutamic acid, which is acidic and polar, at codon 302 of the IQCB1 protein (p.Gln302Glu). This variant is present in population databases (rs756776335, gnomAD 0.003%). This variant has not been reported in the literature in individuals affected with IQCB1-related conditions. ClinVar contains an entry for this variant (Variation ID: 1400777). Algorithms developed to predict the effect of missense changes on protein structure and function are either unavailable or do not agree on the potential impact of this missense change (SIFT: "Deleterious"; PolyPhen-2: "Benign"; Align-GVGD: "Class C0"). In summary, the available evidence is currently insufficient to determine the role of this variant in disease. Therefore, it has been classified as a Variant of Uncertain Significance.

NM_001023570.4(IQCB1):c.904C>G (p.Gln302Glu)

Gene: IQCB1 (IQ motif containing B1; minus strand). Cytogenetic location: 3q13.33.
Variant type: single nucleotide variant.
Coding change: c.904C>G on transcript NM_001023570.4 (MANE Select); coding-DNA position 904, C replaced by G.
Protein change: p.Gln302Glu; replaces glutamine 302 with glutamic acid.
Molecular consequence: missense variant. On other transcripts: intron variant (1).
Genome position (GRCh38, 1-based): chr3:121,795,539, G>C on the plus strand (C>G on the coding strand, the complement: IQCB1 is on the minus strand). VCF-style: chr3-121795539-G-C. GRCh37 (hg19) VCF-style: chr3-121514386-G-C.
Other names: c.904C>G, p.Gln302Glu (NM_001319107.2); c.588-5324C>G (NM_001023571.4); short protein forms Q302E.
Identifiers: ClinVar variation 1400777 (VCV001400777.5), dbSNP rs756776335, ClinGen allele CA2567254.